The following is an entry in ClinVar:

NM_001042472.3(ABHD12):c.727T>G (p.Trp243Gly)

Genes: ABHD12 (abhydrolase domain containing 12, lysophospholipase; minus strand), LOC126863008 (CDK7 strongly-dependent group 2 enhancer GRCh37_chr20:25289826-25291025; plus strand). Cytogenetic location: 20p11.21.
Variant type: single nucleotide variant.
Coding change: c.727T>G on transcript NM_001042472.3 (MANE Select); coding-DNA position 727, T replaced by G.
Protein change: p.Trp243Gly; replaces tryptophan 243 with glycine.
Molecular consequence: missense variant.
Genome position (GRCh38, 1-based): chr20:25,309,468, A>C on the plus strand (T>G on the coding strand, the complement: ABHD12 is on the minus strand). VCF-style: chr20-25309468-A-C. GRCh37 (hg19) VCF-style: chr20-25290104-A-C.
Other names: c.727T>G, p.Trp243Gly (NM_015600.5); short protein forms W243G.
Identifiers: ClinVar variation 4527958 (VCV004527958.1).

ClinVar aggregate classification (germline): Uncertain significance (1 of 4 stars; one submission).

Submission:

GeneDx
Classification: Uncertain significance. Last evaluated: 2025-05-06. Review status: criteria provided, single submitter. Criteria: GeneDx Variant Classification Process June 2021. Collection method: clinical testing. Allele origin: germline. Affected: yes.
Comment: Not observed at significant frequency in large population cohorts (gnomAD); In silico analysis supports that this missense variant has a deleterious effect on protein structure/function; Has not been previously published as pathogenic or benign to our knowledge